The following is an entry in ClinVar:

ClinVar aggregate classification (germline): Uncertain significance (1 of 4 stars; one submission).

Conditions:
Juvenile polyposis syndrome (JPS). Identifiers: Orphanet 2929, MedGen C0345893, MONDO:0017380, OMIM 174900.

Submission:

Labcorp Genetics (formerly Invitae), Labcorp
Classification: Uncertain significance for Juvenile polyposis syndrome. Last evaluated: 2025-03-25. Review status: criteria provided, single submitter. Criteria: Invitae Variant Classification Sherloc (09022015). Collection method: clinical testing. Allele origin: germline.
Comment: This sequence change replaces glycine, which is neutral and non-polar, with cysteine, which is neutral and slightly polar, at codon 434 of the BMPR1A protein (p.Gly434Cys). This variant is not present in population databases (gnomAD no frequency). This variant has not been reported in the literature in individuals affected with BMPR1A-related conditions. ClinVar contains an entry for this variant (Variation ID: 1026676). Invitae Evidence Modeling of protein sequence and biophysical properties (such as structural, functional, and spatial information, amino acid conservation, physicochemical variation, residue mobility, and thermodynamic stability) indicates that this missense variant is expected to disrupt BMPR1A protein function with a positive predictive value of 80%. In summary, the available evidence is currently insufficient to determine the role of this variant in disease. Therefore, it has been classified as a Variant of Uncertain Significance.

NM_004329.3(BMPR1A):c.1300G>T (p.Gly434Cys)

Gene: BMPR1A (bone morphogenetic protein receptor type 1A; plus strand). Cytogenetic location: 10q23.2.
Variant type: single nucleotide variant.
Coding change: c.1300G>T on transcript NM_004329.3 (MANE Select); coding-DNA position 1300, G replaced by T.
Protein change: p.Gly434Cys; replaces glycine 434 with cysteine.
Molecular consequence: missense variant.
Genome position (GRCh38, 1-based): chr10:86,921,653, G>T. VCF-style: chr10-86921653-G-T. GRCh37 (hg19) VCF-style: chr10-88681410-G-T.
Other names: short protein forms G434C.
Identifiers: ClinVar variation 1026676 (VCV001026676.10), dbSNP rs587780108, ClinGen allele CA377462322.